The following is an entry in ClinVar:

ClinVar aggregate classification (germline): Pathogenic (1 of 4 stars; one submission).

Conditions:
Retinoblastoma (RB1). Also called: RETINOBLASTOMA, SOMATIC. Identifiers: Orphanet 790, MedGen C0035335, MeSH D012175, MONDO:0008380, OMIM 180200, HP:0009919. Disease mechanism: loss of function. Inheritance: Both sporadic and heritable forms are tested..

Submission:

Genetic Diagnostic Laboratory, University of Pennsylvania School of Medicine
Classification: Pathogenic for Retinoblastoma. Last evaluated: 2024-05-20. Review status: criteria provided, single submitter. Criteria: ACMG Guidelines, 2015. Collection method: clinical testing. Allele origin: germline. Affected: yes. Observed: 1 variant allele.
Comment: Case and Pedigree Information: BILATERAL CASES:1, UNILATERAL CASES:0, TOTAL CASES:1, PEDIGREES:1. ACMG Codes Applied:PVS1, PM2

NM_000321.3(RB1):c.1272C>A (p.Tyr424Ter)

Gene: RB1 (RB transcriptional corepressor 1; plus strand). Cytogenetic location: 13q14.2.
Variant type: single nucleotide variant.
Coding change: c.1272C>A on transcript NM_000321.3 (MANE Select); coding-DNA position 1272, C replaced by A.
Protein change: p.Tyr424Ter; replaces tyrosine 424 with a stop codon.
Molecular consequence: nonsense.
Genome position (GRCh38, 1-based): chr13:48,376,974, C>A. VCF-style: chr13-48376974-C-A. GRCh37 (hg19) VCF-style: chr13-48951110-C-A.
Other names: c.1272C>A, p.Tyr424Ter (NM_001407165.1, NM_001407166.1); short protein forms Y424*.
Identifiers: ClinVar variation 3236965 (VCV003236965.1), dbSNP rs2138136448.